The following is an entry in ClinVar:

NM_001018116.2(CAVIN4):c.418C>T (p.Arg140Trp)

Gene: CAVIN4 (caveolae associated protein 4; plus strand). Cytogenetic location: 9q31.1.
Variant type: single nucleotide variant.
Coding change: c.418C>T on transcript NM_001018116.2 (MANE Select); coding-DNA position 418, C replaced by T.
Protein change: p.Arg140Trp; replaces arginine 140 with tryptophan.
Molecular consequence: missense variant.
Genome position (GRCh38, 1-based): chr9:100,585,774, C>T. VCF-style: chr9-100585774-C-T. GRCh37 (hg19) VCF-style: chr9-103348056-C-T.
Other names: short protein forms R140W.
Identifiers: ClinVar variation 1303202 (VCV001303202.3), dbSNP rs745743737, ClinGen allele CA5160076.

ClinVar aggregate classification (germline): Uncertain significance (1 of 4 stars; one submission).

Allele frequency attached by ClinVar (database versions not stated): gnomAD 0.00001.
gnomAD v4.1: 23 of 1,613,710 alleles (0.0014%); highest among the groups gnomAD compares: East Asian, 0.0067%; no homozygotes.

Submission:

GeneDx
Classification: Uncertain significance. Last evaluated: 2024-06-12. Review status: criteria provided, single submitter. Criteria: GeneDx Variant Classification Process June 2021. Collection method: clinical testing. Allele origin: germline. Affected: yes.
Comment: Variants in candidate genes are classified as variants of uncertain significance in accordance with ACMG guidelines (PMID: 25741868); Reported in an individual with DCM, arrhythmia, and a history of sudden cardiac arrest (PMID: 21642240); Although functional studies suggest that p.(R140W) results in a loss-of-function, additional studies are needed to clarify this variant's role in disease (PMID: 21642240); In silico analysis supports that this missense variant has a deleterious effect on protein structure/function; This variant is associated with the following publications: (PMID: 21642240)